The following is an entry in ClinVar:

NM_014915.3(ANKRD26):c.5012T>C (p.Leu1671Ser)

Gene: ANKRD26 (ankyrin repeat domain 26; minus strand). Cytogenetic location: 10p12.1.
Variant type: single nucleotide variant.
Coding change: c.5012T>C on transcript NM_014915.3 (MANE Select); coding-DNA position 5012, T replaced by C.
Protein change: p.Leu1671Ser; replaces leucine 1671 with serine.
Molecular consequence: missense variant.
Genome position (GRCh38, 1-based): chr10:27,005,711, A>G on the plus strand (T>C on the coding strand, the complement: ANKRD26 is on the minus strand). VCF-style: chr10-27005711-A-G. GRCh37 (hg19) VCF-style: chr10-27294640-A-G.
Other names: c.5009T>C, p.Leu1670Ser (NM_001256053.2); short protein forms L1670S, L1671S.
Identifiers: ClinVar variation 5023376 (VCV005023376.1).

ClinVar aggregate classification (germline): Uncertain significance (1 of 4 stars; one submission).

Conditions:
Inborn genetic diseases. Identifiers: MedGen C0950123, MeSH D030342.

Submission:

Ambry Genetics
Classification: Uncertain significance for Inborn genetic diseases. Last evaluated: 2026-07-30. Review status: criteria provided, single submitter. Criteria: Ambry Variant Classification Scheme 2023. Collection method: clinical testing. Allele origin: germline.
Comment: The p.L1671S variant (also known as c.5012T>C), located in coding exon 34 of the ANKRD26 gene, results from a T to C substitution at nucleotide position 5012. The leucine at codon 1671 is replaced by serine, an amino acid with dissimilar properties. This amino acid position is conserved. In addition, this alteration is predicted to be tolerated by in silico analysis. Based on the available evidence, the clinical significance of this variant remains unclear.